The following is an entry in ClinVar:

NM_000051.4(ATM):c.6671T>C (p.Met2224Thr)

Genes: ATM (ATM serine/threonine kinase; plus strand), C11orf65 (chromosome 11 open reading frame 65; minus strand). Cytogenetic location: 11q22.3.
Variant type: single nucleotide variant.
Coding change: c.6671T>C on transcript NM_000051.4 (MANE Select); coding-DNA position 6671, T replaced by C.
Protein change: p.Met2224Thr; replaces methionine 2224 with threonine.
Molecular consequence: missense variant. On other transcripts: intron variant (2).
Genome position (GRCh38, 1-based): chr11:108,325,408, T>C. VCF-style: chr11-108325408-T-C. GRCh37 (hg19) VCF-style: chr11-108196135-T-C.
Other names: p.M2224T:ATG>ACG; c.6671T>C, p.Met2224Thr (NM_001351834.2); c.641-16337A>G (NM_001330368.2); c.*38+9812A>G (NM_001351110.2); short protein forms M2224T.
Identifiers: ClinVar variation 181884 (VCV000181884.32), dbSNP rs730881313, ClinGen allele CA298034.

ClinVar aggregate classification (germline): Uncertain significance. Review status: criteria provided, multiple submitters, no conflicts (2 of 4 stars). 8 submissions from 8 submitters: Uncertain significance (7). 1 of the submissions does not count toward it. Last evaluated 2025-11-17.

Conditions:
Hereditary cancer-predisposing syndrome. Also called: Hereditary Cancer Syndrome; Tumor predisposition; Neoplastic Syndromes, Hereditary; Hereditary neoplastic syndrome. Identifiers: Orphanet 140162, MedGen C0027672, MeSH D009386, MONDO:0015356.
Ataxia-telangiectasia syndrome (AT). Also called: ATAXIA-TELANGIECTASIA, COMPLEMENTATION GROUP A; ATAXIA-TELANGIECTASIA, FRESNO VARIANT; Ataxia-telangiectasia; Ataxia-telangiectasia, complementation group E; Cerebello-oculocutaneous telangiectasia; Immunodeficiency with ataxia telangiectasia. Identifiers: Orphanet 100, MedGen C0004135, MONDO:0008840, OMIM 208900.
Familial cancer of breast. Also called: hereditary breast carcinoma; BREAST CANCER, FAMILIAL; Hereditary breast cancer. Identifiers: Orphanet 227535, MedGen C0346153, MONDO:0016419, OMIM 114480. Disease mechanism: loss of function.

Allele frequency attached by ClinVar (database versions not stated): ExAC 0.00002; gnomAD exomes 0.00001.
gnomAD v4.1: 3 of 1,613,858 alleles (0.00019%); highest among the groups gnomAD compares: Non-Finnish European, 0.00017%; no homozygotes.

Submissions (8):

Labcorp Genetics (formerly Invitae), Labcorp
Classification: Uncertain significance for Ataxia-telangiectasia syndrome. Last evaluated: 2025-11-17. Review status: criteria provided, single submitter. Criteria: Invitae Variant Classification Sherloc (09022015). Collection method: clinical testing. Allele origin: germline.
Comment: This sequence change replaces methionine, which is neutral and non-polar, with threonine, which is neutral and polar, at codon 2224 of the ATM protein (p.Met2224Thr). This variant is present in population databases (rs730881313, gnomAD 0.006%). This variant has not been reported in the literature in individuals affected with ATM-related conditions. ClinVar contains an entry for this variant (Variation ID: 181884). Invitae Evidence Modeling of protein sequence and biophysical properties (such as structural, functional, and spatial information, amino acid conservation, physicochemical variation, residue mobility, and thermodynamic stability) has been performed for this missense variant. However, the output from this modeling did not meet the statistical confidence thresholds required to predict the impact of this variant on ATM protein function. In summary, the available evidence is currently insufficient to determine the role of this variant in disease. Therefore, it has been classified as a Variant of Uncertain Significance.

St. Jude Molecular Pathology, St. Jude Children's Research Hospital
Classification: Uncertain significance for Ataxia-telangiectasia syndrome. Last evaluated: 2024-12-19. Review status: criteria provided, single submitter. Criteria: St. Jude Assertion Criteria 2020. Collection method: clinical testing. Allele origin: germline.
Comment: The ATM c.6671T>C (p.Met2224Thr) missense change has a maximum subpopulation frequency of 0.005% in gnomAD v2.1.1. The in silico tool REVEL is inconclusive about a pathogenic or benign effect of this variant on protein function, and to our knowledge functional studies have not been performed. To our knowledge, this variant has not been reported in individuals with ataxia telangiectasia. In summary, the evidence currently available is insufficient to determine the clinical significance of this variant. It has therefore been classified as of uncertain significance.

Baylor Genetics
Classification: Uncertain significance for Familial cancer of breast. Last evaluated: 2024-03-05. Review status: criteria provided, single submitter. Criteria: ACMG Guidelines, 2015. Collection method: clinical testing. Allele origin: unknown.

Quest Diagnostics Nichols Institute San Juan Capistrano
Classification: Uncertain significance. Last evaluated: 2024-01-09. Review status: criteria provided, single submitter. Criteria: Quest Diagnostics criteria. Collection method: clinical testing. Allele origin: unknown.

Ambry Genetics
Classification: Uncertain significance for Hereditary cancer-predisposing syndrome. Last evaluated: 2023-08-31. Review status: criteria provided, single submitter. Criteria: Ambry Variant Classification Scheme 2023. Collection method: clinical testing. Allele origin: germline.
Comment: The p.M2224T variant (also known as c.6671T>C), located in coding exon 45 of the ATM gene, results from a T to C substitution at nucleotide position 6671. The methionine at codon 2224 is replaced by threonine, an amino acid with similar properties. This amino acid position is well conserved in available vertebrate species. In addition, the in silico prediction for this alteration is inconclusive. Since supporting evidence is limited at this time, the clinical significance of this alteration remains unclear.

Color Diagnostics, LLC DBA Color Health
Classification: Uncertain significance for Hereditary cancer-predisposing syndrome. Last evaluated: 2018-12-18. Review status: criteria provided, single submitter. Criteria: ACMG Guidelines, 2015. Collection method: clinical testing. Allele origin: germline.

GeneDx
Classification: Uncertain significance. Last evaluated: 2014-10-01. Review status: criteria provided, single submitter. Criteria: GeneDx Variant Classification (06012015). Collection method: clinical testing. Allele origin: germline. Affected: yes.
Comment: This variant is denoted ATM c.6671T>C at the cDNA level, p.Met2224Thr (M2224T) at the protein level, and results in the change of a Methionine to a Threonine (ATG>ACG). This variant has not, to our knowledge, been published in the literature as pathogenic or benign. ATM Met2224Thr was not observed in approximately 6,500 individuals of European and African American ancestry in the NHLBI Exome Sequencing Project, indicating it is not a common benign variant in these populations. Since Methionine and Threonine differ in polarity, charge, size or other properties, this is considered a non-conservative amino acid substitution. ATM Met2224Thr occurs at a position that is well conserved across species and is located within the FAT domain (Tavtigian 2009, UniProt). In silico analyses predict that this variant is probably damaging to protein structure and function. Based on currently available information, it is unclear whether ATM Met2224Thr is pathogenic or benign. We consider it to be a variant of uncertain significance.

Natera, Inc.
Classification: Uncertain significance for Ataxia-telangiectasia. Last evaluated: 2021-09-02. Review status: no assertion criteria provided. Collection method: clinical testing. Allele origin: germline. Not counted in ClinVar's aggregate classification.

Literature cited by the submitters: PubMed 36627197 (cited by Quest Diagnostics Nichols Institute San Juan Capistrano).